The following is an entry in ClinVar:

NM_152703.5(SAMD9L):c.3776dup (p.Asn1259fs)

Gene: SAMD9L (sterile alpha motif domain containing 9 like; minus strand). Cytogenetic location: 7q21.2.
Variant type: Duplication.
Coding change: c.3776dup on transcript NM_152703.5 (MANE Select); coding-DNA position 3776, one base duplicated (A; older notation c.3776dupA).
Protein change: p.Asn1259fs; shifts the reading frame from asparagine 1259.
Molecular consequence: frameshift variant.
Genome position (GRCh38, 1-based): chr7:93,132,196, T duplicated on the plus strand (A on the coding strand, the reverse complement: SAMD9L is on the minus strand); the first of 6 consecutive T bases (chr7:93,132,196-93,132,201); duplicating any one gives the same sequence. VCF-style (leftmost placement, unchanged base first): chr7-93132195-A-AT. GRCh37 (hg19) VCF-style: chr7-92761508-A-AT.
Other names: c.3776dup, p.Asn1259fs (NM_001303496.3, NM_001303497.3, NM_001303498.3 and 5 more transcripts); short protein forms N1259fs.
Identifiers: ClinVar variation 3372984 (VCV003372984.1).
Genomic context (GRCh38, chr7:93,132,195, plus strand): 5'-TTTCAGAAGAACCATATAATCAATAAAAAAGTCAAAGCACCTTTTCAGATCTGATTGTAA[A>AT]TTTTTTAGGTGGGATGTGAACTTGCTAAGAGCCAAATAACATTCATTTCTGGGATCAGGA-3'

ClinVar aggregate classification (germline): Uncertain significance (1 of 4 stars; one submission).

Submission:

GeneDx
Classification: Uncertain significance. Last evaluated: 2024-04-30. Review status: criteria provided, single submitter. Criteria: GeneDx Variant Classification Process June 2021. Collection method: clinical testing. Allele origin: germline. Affected: yes.
Comment: Not observed at significant frequency in large population cohorts (gnomAD); Frameshift variant predicted to result in protein truncation in a gene for which loss of function is not an established mechanism of disease; Has not been previously published as pathogenic or benign to our knowledge